The following is an entry in ClinVar:

NM_003742.4(ABCB11):c.909-1G>A

Gene: ABCB11 (ATP binding cassette subfamily B member 11; minus strand). Cytogenetic location: 2q31.1.
Variant type: single nucleotide variant.
Coding change: c.909-1G>A on transcript NM_003742.4 (MANE Select); the canonical splice acceptor site of the intron before coding-DNA position 909, G replaced by A.
Molecular consequence: splice acceptor variant.
Genome position (GRCh38, 1-based): chr2:168,986,285, C>T on the plus strand (G>A on the coding strand, the complement: ABCB11 is on the minus strand). VCF-style: chr2-168986285-C-T. GRCh37 (hg19) VCF-style: chr2-169842795-C-T.
Other names: NM_003742.4:c.909-1G>A.
Identifiers: ClinVar variation 3776875 (VCV003776875.3).
Genomic context (GRCh38, chr2:168,986,285, plus strand): 5'-CCCATCACTATTCCTTTTCTAATTCCCCAACGCTGGGCGAACACAAGATTTTTCTCATAC[C>T]TGTGAAGACAAAATGCTTGAGTCAATTTCGGCAGAAACAGCTCAAGTTATAATGTTTAAA-3'

ClinVar aggregate classification (germline): Pathogenic/Likely pathogenic. Review status: criteria provided, multiple submitters, no conflicts (2 of 4 stars). 3 submissions from 3 submitters: Pathogenic (2); Likely pathogenic (1). Last evaluated 2026-04-14.

Conditions:
ABCB11-related disorder. Also called: ABCB11-related condition.
Familial intrahepatic cholestasis. Identifiers: Orphanet 284385, MedGen CN296401, MONDO:0017290.
Progressive familial intrahepatic cholestasis type 2. Identifiers: Orphanet 79304, MedGen C3489789, MONDO:0011156, OMIM 601847.

gnomAD v4.1: 5 of 1,611,682 alleles (0.00031%); highest among the groups gnomAD compares: Non-Finnish European, 0.00017%; no homozygotes.

Submissions (3):

Genomenon, Inc
Classification: Pathogenic for Familial intrahepatic cholestasis. Last evaluated: 2026-04-14. Review status: criteria provided, single submitter. Criteria: Genomenon Sequence Variant Interpretation Standards - Updated. Collection method: curation. Allele origin: germline. Affected: yes.
Comment: ABCB11 c.909-1G>A is a canonical splice variant affecting the acceptor splice site of intron 9. It is predicted to affect mRNA splicing, leading to a deleterious effect on the ABCB11 protein. This variant has been observed in at least one proband with an ABCB11-related disorder (PMID:30366773). It is absent or not present at a significant frequency in gnomAD. In conclusion, we classify ABCB11 c.909-1G>A as a pathogenic variant.

Broad Center for Mendelian Genomics, Broad Institute of MIT and Harvard
Classification: Pathogenic for Progressive familial intrahepatic cholestasis type 2. Last evaluated: 2025-01-30. Review status: criteria provided, single submitter. Criteria: ACMG Guidelines, 2015. Collection method: curation. Allele origin: germline. Inheritance: Autosomal recessive inheritance.
Comment: The c.909-1G>A variant in ABCB11 has been reported, in the homozygous state, in one individual with BSEP deficiency (PMID: 30366773), and has been identified in 0.005% (3/63940) of European (Finnish) chromosomes by the Genome Aggregation Database (gnomAD; dbSNP rs1199924561). Although this variant has been seen in the general population in a heterozygous state, its frequency is low enough to be consistent with a recessive carrier frequency. This variant is located in the 5' splice region. Computational tools predict a splicing impact, though this information is not predictive enough to determine pathogenicity. Loss of function of the ABCB11 gene is an established disease mechanism in autosomal recessive BSEP deficiency. In summary, this variant meets criteria to be classified as pathogenic for autosomal recessive BSEP deficiency. ACMG/AMP Criteria applied: PVS1, PM2_supporting, PM3_supporting (Richards 2015).

Blueprint Genetics
Classification: Likely pathogenic for ABCB11-related disorders. Last evaluated: 2020-12-04. Review status: criteria provided, single submitter. Criteria: ACMG Guidelines, 2015. Collection method: clinical testing. Allele origin: germline. Affected: yes. Observed: 2 variant alleles.

Literature cited by the submitters: PubMed 30366773 (cited by Genomenon, Inc).